The following is an entry in ClinVar:

NM_001814.6(CTSC):c.921A>G (p.Ala307=)

Gene: CTSC (cathepsin C; minus strand). Cytogenetic location: 11q14.2.
Variant type: single nucleotide variant.
Coding change: c.921A>G on transcript NM_001814.6 (MANE Select); coding-DNA position 921, A replaced by G.
Protein change: p.Ala307=; no amino-acid change (alanine 307 retained).
Molecular consequence: synonymous variant.
Genome position (GRCh38, 1-based): chr11:88,294,477, T>C on the plus strand (A>G on the coding strand, the complement: CTSC is on the minus strand). VCF-style: chr11-88294477-T-C. GRCh37 (hg19) VCF-style: chr11-88027645-T-C.
Identifiers: ClinVar variation 1899277 (VCV001899277.2), dbSNP rs1459318368, ClinGen allele CA476145244.
Genomic context (GRCh38, chr11:88,294,477, plus strand): 5'-AGTGCCTGTGTAGGGGAAGCAAGCTTCTTCCACCAGCCCAAAATCTTGGGCGTACTTTCC[T>C]GCAATAAGGTATGGGAAGCCGCCTTCACAGCCTGAAGATGAATAACACACATGGTTACCC-3'
Protein context (NP_001805.4, residues 297-317): GCEGGFPYLI[Ala307=]GKYAQDFGLV

ClinVar aggregate classification (germline): Uncertain significance (1 of 4 stars; one submission).

Conditions:
Periodontitis, aggressive. Identifiers: MedGen C0031106, MONDO:0980757.
Papillon-Lefèvre syndrome (PALS). Also called: KERATOSIS PALMOPLANTARIS WITH PERIODONTOPATHIA; Papillon-Lefevre Disease. Identifiers: Orphanet 678, MedGen C0030360, MONDO:0009490, OMIM 245000.
Haim-Munk syndrome (HMS). Also called: COCHIN JEWISH DISORDER; KERATOSIS PALMOPLANTARIS WITH PERIODONTOPATHIA AND ONYCHOGRYPOSIS. Identifiers: Orphanet 2342, MedGen C1855627, MONDO:0009491, OMIM 245010.

Allele frequency attached by ClinVar (database versions not stated): gnomAD 0.00001; TOPMed 0.00001; gnomAD exomes below 0.00001.
gnomAD v4.1: 4 of 1,614,012 alleles (0.00025%); highest among the groups gnomAD compares: African/African-American, 0.0013%; no homozygotes.

Submission:

Labcorp Genetics (formerly Invitae), Labcorp
Classification: Uncertain significance for Haim-Munk syndrome; Periodontitis, aggressive; Papillon-Lefèvre syndrome. Last evaluated: 2022-04-01. Review status: criteria provided, single submitter. Criteria: Invitae Variant Classification Sherloc (09022015). Collection method: clinical testing. Allele origin: germline.
Comment: This sequence change affects codon 307 of the CTSC mRNA. It is a 'silent' change, meaning that it does not change the encoded amino acid sequence of the CTSC protein. This variant is not present in population databases (gnomAD no frequency). This variant has not been reported in the literature in individuals affected with CTSC-related conditions. Algorithms developed to predict the effect of sequence changes on RNA splicing suggest that this variant may disrupt the consensus splice site. In summary, the available evidence is currently insufficient to determine the role of this variant in disease. Therefore, it has been classified as a Variant of Uncertain Significance.